The following is an entry in ClinVar:

NM_178335.3(CCDC50):c.666G>T (p.Gln222His)

Gene: CCDC50 (coiled-coil domain containing 50; plus strand). Cytogenetic location: 3q28.
Variant type: single nucleotide variant.
Coding change: c.666G>T on transcript NM_178335.3 (MANE Select); coding-DNA position 666, G replaced by T.
Protein change: p.Gln222His; replaces glutamine 222 with histidine.
Molecular consequence: missense variant. On other transcripts: intron variant (1).
Genome position (GRCh38, 1-based): chr3:191,375,279, G>T. VCF-style: chr3-191375279-G-T. GRCh37 (hg19) VCF-style: chr3-191093068-G-T.
Other names: c.449-4880G>T (NM_174908.4); short protein forms Q222H.
Identifiers: ClinVar variation 2524281 (VCV002524281.4), dbSNP rs566185695, ClinGen allele CA355764227.

ClinVar aggregate classification (germline): Uncertain significance. Review status: criteria provided, multiple submitters, no conflicts (2 of 4 stars). 2 submissions from 2 submitters: Uncertain significance (2). Last evaluated 2024-04-25.

Submissions (2):

Labcorp Genetics (formerly Invitae), Labcorp
Classification: Uncertain significance. Last evaluated: 2024-04-25. Review status: criteria provided, single submitter. Criteria: Invitae Variant Classification Sherloc (09022015). Collection method: clinical testing. Allele origin: germline.
Comment: This sequence change replaces glutamine, which is neutral and polar, with histidine, which is basic and polar, at codon 222 of the CCDC50 protein (p.Gln222His). The frequency data for this variant in the population databases is considered unreliable, as metrics indicate poor data quality at this position in the gnomAD database. This variant has not been reported in the literature in individuals affected with CCDC50-related conditions. ClinVar contains an entry for this variant (Variation ID: 2524281). Algorithms developed to predict the effect of missense changes on protein structure and function output the following: SIFT: "Not Available"; PolyPhen-2: "Benign"; Align-GVGD: "Not Available". The histidine amino acid residue is found in multiple mammalian species, which suggests that this missense change does not adversely affect protein function. In summary, the available evidence is currently insufficient to determine the role of this variant in disease. Therefore, it has been classified as a Variant of Uncertain Significance.

Ambry Genetics
Classification: Uncertain significance. Last evaluated: 2023-03-22. Review status: criteria provided, single submitter. Criteria: Ambry Variant Classification Scheme 2023. Collection method: clinical testing. Allele origin: germline.